The following is an entry in ClinVar:

ClinVar aggregate classification (germline): Pathogenic (1 of 4 stars; one submission).

Conditions:
Primary ciliary dyskinesia. Also called: Ciliary dyskinesia. Identifiers: Orphanet 244, MedGen C0008780, MONDO:0016575, HP:0012265.

Allele frequency attached by ClinVar (database versions not stated): gnomAD exomes below 0.00001; TOPMed below 0.00001; ExAC 0.00002.

Submission:

Labcorp Genetics (formerly Invitae), Labcorp
Classification: Pathogenic for Primary ciliary dyskinesia. Last evaluated: 2023-11-15. Review status: criteria provided, single submitter. Criteria: Invitae Variant Classification Sherloc (09022015). Collection method: clinical testing. Allele origin: germline.
Comment: This sequence change creates a premature translational stop signal (p.Cys4071Leufs*8) in the DNAH11 gene. It is expected to result in an absent or disrupted protein product. Loss-of-function variants in DNAH11 are known to be pathogenic (PMID: 18022865, 20513915, 22184204). This variant is present in population databases (rs774304164, gnomAD 0.006%). This variant has not been reported in the literature in individuals affected with DNAH11-related conditions. For these reasons, this variant has been classified as Pathogenic.

Literature cited by the submitters: PubMed 18022865; PubMed 20513915; PubMed 22184204.

NM_001277115.2(DNAH11):c.12211dup (p.Cys4071fs)

Gene: DNAH11 (dynein axonemal heavy chain 11; plus strand). Cytogenetic location: 7p15.3.
Variant type: Duplication.
Coding change: c.12211dup on transcript NM_001277115.2 (MANE Select); coding-DNA position 12211, one base duplicated (T; older notation c.12211dupT).
Protein change: p.Cys4071fs; shifts the reading frame from cysteine 4071.
Molecular consequence: frameshift variant.
Genome position (GRCh38, 1-based): chr7:21,880,717, T duplicated. VCF-style (leftmost placement, unchanged base first): chr7-21880716-A-AT. GRCh37 (hg19) VCF-style: chr7-21920334-A-AT.
Other names: c.12232dup, p.Cys4078Leufs (NM_003777.3); short protein forms C4071fs.
Identifiers: ClinVar variation 2920429 (VCV002920429.3), dbSNP rs774304164, ClinGen allele CA4183011.